The following is an entry in ClinVar:

NM_001145809.2(MYH14):c.94C>T (p.Arg32Cys)

Gene: MYH14 (myosin heavy chain 14; plus strand). Cytogenetic location: 19q13.33.
Variant type: single nucleotide variant.
Coding change: c.94C>T on transcript NM_001145809.2 (MANE Select); coding-DNA position 94, C replaced by T.
Protein change: p.Arg32Cys; replaces arginine 32 with cysteine.
Molecular consequence: missense variant.
Genome position (GRCh38, 1-based): chr19:50,210,459, C>T. VCF-style: chr19-50210459-C-T. GRCh37 (hg19) VCF-style: chr19-50713716-C-T.
Other names: c.94C>T (NM_024729.3, NM_001145809.1); c.94C>T, p.Arg32Cys (NM_001077186.2, NM_024729.4); short protein forms R32C.
Identifiers: ClinVar variation 445916 (VCV000445916.27), dbSNP rs549293063, ClinGen allele CA9592189.

ClinVar aggregate classification (germline): Conflicting classifications of pathogenicity. Review status: criteria provided, conflicting classifications (1 of 4 stars). 4 submissions from 4 submitters: Uncertain significance (2); Likely benign (1). 1 of the submissions does not count toward it. Last evaluated 2025-12-01.

Conditions:
MYH14-related disorder. Also called: MYH14-related condition.
Inborn genetic diseases. Identifiers: MedGen C0950123, MeSH D030342.

Allele frequency attached by ClinVar (database versions not stated): gnomAD 0.00001 and 0.00012; TOPMed 0.00005; gnomAD exomes 0.00015 and 0.00030; 1000 Genomes Project 30x 0.00156; ExAC 0.00091; 1000 Genomes Project 0.00100.

Submissions (4):

CeGaT Center for Human Genetics Tuebingen
Classification: Likely benign. Last evaluated: 2025-12-01. Review status: criteria provided, single submitter. Criteria: CeGaT Center For Human Genetics Tuebingen Variant Classification Criteria Version 2. Collection method: clinical testing. Allele origin: germline. Affected: yes. Observed: 4 variant alleles.
Comment: MYH14: BS1

Ambry Genetics
Classification: Uncertain significance for Inborn genetic diseases. Last evaluated: 2024-03-04. Review status: criteria provided, single submitter. Criteria: Ambry Variant Classification Scheme 2023. Collection method: clinical testing. Allele origin: germline.

Center for Pediatric Genomic Medicine, Children's Mercy Hospital and Clinics
Classification: Uncertain significance. Last evaluated: 2017-02-22. Review status: criteria provided, single submitter. Criteria: ACMG Guidelines, 2015. Collection method: clinical testing. Allele origin: germline.

PreventionGenetics, part of Exact Sciences
Classification: Likely benign for MYH14-related condition. Last evaluated: 2024-08-15. Review status: no assertion criteria provided. Collection method: clinical testing. Allele origin: germline. Not counted in ClinVar's aggregate classification.
Comment: This variant is classified as likely benign based on ACMG/AMP sequence variant interpretation guidelines (Richards et al. 2015 PMID: 25741868, with internal and published modifications).